The following is an entry in ClinVar:

NM_001204.7(BMPR2):c.1654A>C (p.Ile552Leu)

Gene: BMPR2 (bone morphogenetic protein receptor type 2; plus strand). Cytogenetic location: 2q33.2.
Variant type: single nucleotide variant.
Coding change: c.1654A>C on transcript NM_001204.7 (MANE Select); coding-DNA position 1654, A replaced by C.
Protein change: p.Ile552Leu; replaces isoleucine 552 with leucine.
Molecular consequence: missense variant.
Genome position (GRCh38, 1-based): chr2:202,555,319, A>C. VCF-style: chr2-202555319-A-C. GRCh37 (hg19) VCF-style: chr2-203420042-A-C.
Other names: short protein forms I552L.
Identifiers: ClinVar variation 4597302 (VCV004597302.1).
Genomic context (GRCh38, chr2:202,555,319, plus strand): 5'-TCACATAATAGGCGTGTGCCAAAAATTGGTCCTTATCCAGATTATTCTTCCTCCTCATAC[A>C]TTGAAGACTCTATCCATCATACTGACAGCATCGTGAAGAATATTTCCTCTGAGCATTCTA-3'
Protein context (NP_001195.2, residues 542-562): PYPDYSSSSY[Ile552Leu]EDSIHHTDSI

ClinVar aggregate classification (germline): Uncertain significance (1 of 4 stars; one submission).

Conditions:
Inborn genetic diseases. Identifiers: MedGen C0950123, MeSH D030342.

gnomAD v4.1: 1 of 1,614,160 alleles (0.000062%); highest among the groups gnomAD compares: Non-Finnish European, 0.000085%; no homozygotes.

Submission:

Ambry Genetics
Classification: Uncertain significance for Inborn genetic diseases. Last evaluated: 2025-10-13. Review status: criteria provided, single submitter. Criteria: Ambry Variant Classification Scheme 2023. Collection method: clinical testing. Allele origin: germline.
Comment: The p.I552L variant (also known as c.1654A>C), located in coding exon 12 of the BMPR2 gene, results from an A to C substitution at nucleotide position 1654. The isoleucine at codon 552 is replaced by leucine, an amino acid with highly similar properties. This amino acid position is conserved. In addition, the in silico prediction for this alteration is inconclusive. Based on the available evidence, the clinical significance of this variant remains unclear.